The following is an entry in ClinVar:

NM_001365276.2(TNXB):c.3709G>A (p.Gly1237Ser)

Gene: TNXB (tenascin XB; minus strand). Cytogenetic location: 6p21.33.
Variant type: single nucleotide variant.
Coding change: c.3709G>A on transcript NM_001365276.2 (MANE Select); coding-DNA position 3709, G replaced by A.
Protein change: p.Gly1237Ser; replaces glycine 1237 with serine.
Molecular consequence: missense variant.
Genome position (GRCh38, 1-based): chr6:32,082,063, C>T on the plus strand (G>A on the coding strand, the complement: TNXB is on the minus strand). VCF-style: chr6-32082063-C-T. GRCh37 (hg19) VCF-style: chr6-32049840-C-T.
Other names: c.3709G>A, p.Gly1237Ser (NM_019105.8); short protein forms G1237S.
Identifiers: ClinVar variation 1309668 (VCV001309668.2), dbSNP rs1486134966, ClinGen allele CA363435724.

ClinVar aggregate classification (germline): Uncertain significance (1 of 4 stars; one submission).

Allele frequency attached by ClinVar (database versions not stated): gnomAD exomes below 0.00001; TOPMed 0.00001.
gnomAD v4.1: 3 of 1,607,282 alleles (0.00019%); highest among the groups gnomAD compares: Non-Finnish European, 0.00025%; no homozygotes.

Submission:

GeneDx
Classification: Uncertain significance. Last evaluated: 2019-08-29. Review status: criteria provided, single submitter. Criteria: GeneDx Variant Classification Process June 2021. Collection method: clinical testing. Allele origin: germline. Affected: yes.
Comment: Has not been previously published as pathogenic or benign to our knowledge; Not observed at a significant frequency in large population cohorts (Lek et al., 2016); In silico analysis, which includes protein predictors and evolutionary conservation, supports a deleterious effect